The following is an entry in ClinVar:

NM_014946.4(SPAST):c.926G>A (p.Arg309His)

Gene: SPAST (spastin; plus strand). Cytogenetic location: 2p22.3.
Variant type: single nucleotide variant.
Coding change: c.926G>A on transcript NM_014946.4 (MANE Select); coding-DNA position 926, G replaced by A.
Protein change: p.Arg309His; replaces arginine 309 with histidine.
Molecular consequence: missense variant.
Genome position (GRCh38, 1-based): chr2:32,115,757, G>A. VCF-style: chr2-32115757-G-A. GRCh37 (hg19) VCF-style: chr2-32340826-G-A.
Other names: c.923G>A, p.Arg308His (NM_001363823.2); c.827G>A, p.Arg276His (NM_001363875.2); c.830G>A, p.Arg277His (NM_001377959.1, NM_199436.2); short protein forms R277H, R276H, R308H, R309H.
Identifiers: ClinVar variation 855316 (VCV000855316.40), dbSNP rs202152835, ClinGen allele CA1600743.

ClinVar aggregate classification (germline): Conflicting classifications of pathogenicity. Review status: criteria provided, conflicting classifications (1 of 4 stars). 3 submissions from 3 submitters: Uncertain significance (1); Benign (1); Likely benign (1). Last evaluated 2025-11-10.

Conditions:
Hereditary spastic paraplegia 4. Also called: Familial spastic paraplegia autosomal dominant 2; Spastic Paraplegia 4; Spastic paraplegia 4, autosomal dominant. Identifiers: Orphanet 100985, MedGen C1866855, MONDO:0008438, OMIM 182601.
SPAST-related disorder. Also called: SPAST-related condition.

Allele frequency attached by ClinVar (database versions not stated): ExAC 0.00006; gnomAD exomes 0.00006; gnomAD 0.00011 and 0.00013; TOPMed 0.00012.
gnomAD v4.1: 307 of 1,611,248 alleles (0.019%); highest among the groups gnomAD compares: Non-Finnish European, 0.024%; no homozygotes.

Submissions (3):

Labcorp Genetics (formerly Invitae), Labcorp
Classification: Benign for Hereditary spastic paraplegia 4. Last evaluated: 2025-11-10. Review status: criteria provided, single submitter. Criteria: Invitae Variant Classification Sherloc (09022015). Collection method: clinical testing. Allele origin: germline.

PreventionGenetics, part of Exact Sciences
Classification: Uncertain significance for SPAST-related condition. Last evaluated: 2025-09-23. Review status: criteria provided, single submitter. Criteria: ACMG Guidelines, 2015. Collection method: clinical testing. Allele origin: germline.
Comment: The SPAST c.926G>A variant is predicted to result in the amino acid substitution p.Arg309His. This variant was reported in individuals with spastic paraplegia (Magariello et al. 2013. PubMed ID: 23279441; Mészárosová et al. 2016. PubMed ID: 27334366; Boucher et al. 2020. PubMed ID: 32650125) and was reported in two additional family members with "uncomplicated HSP phenotypes" (Boucher et al. 2020. PubMed ID: 32650125). This variant is reported in 0.016% of alleles in individuals of African descent in gnomAD v2 and is found in 307 alleles in gnomAD v4, which may be too common for a pathogenic variant associated with autosomal dominant disease. Although we suspect this variant may be benign, at this time this variant is interpreted as uncertain due to the lack of conclusive functional and genetic evidence.

CeGaT Center for Human Genetics Tuebingen
Classification: Likely benign. Last evaluated: 2022-07-01. Review status: criteria provided, single submitter. Criteria: CeGaT Center For Human Genetics Tuebingen Variant Classification Criteria Version 2. Collection method: clinical testing. Allele origin: germline. Affected: yes. Observed: 1 variant allele.
Comment: SPAST: BP4